The following is an entry in ClinVar:

NM_001110556.2(FLNA):c.6667G>T (p.Gly2223Trp)

Gene: FLNA (filamin A; minus strand). Cytogenetic location: Xq28.
Variant type: single nucleotide variant.
Coding change: c.6667G>T on transcript NM_001110556.2 (MANE Select); coding-DNA position 6667, G replaced by T.
Protein change: p.Gly2223Trp; replaces glycine 2223 with tryptophan.
Molecular consequence: missense variant.
Genome position (GRCh38, 1-based): chrX:154,352,283, C>A on the plus strand (G>T on the coding strand, the complement: FLNA is on the minus strand). VCF-style: chrX-154352283-C-A. GRCh37 (hg19) VCF-style: chrX-153580651-C-A.
Other names: c.6643G>T, p.Gly2215Trp (NM_001456.4); short protein forms G2215W, G2223W.
Identifiers: ClinVar variation 1699263 (VCV001699263.4), dbSNP rs2148103926, ClinGen allele CA415190157.

ClinVar aggregate classification (germline): Uncertain significance (1 of 4 stars; one submission).

Conditions:
Cardiac valvular dysplasia, X-linked (CVDPX). Also called: MYXOMATOUS VALVULAR DYSTROPHY, X-LINKED; VALVULAR HEART DISEASE, CONGENITAL; Congenital valvular dysplasia; Isolated X-Linked Cardiac Valvular Dysplasia; FLNA-Related X-linked Cardiac Valvular Dysplasia. Identifiers: Orphanet 1864, Orphanet 555877, Orphanet 75497, MedGen C0262436, MONDO:0010753, OMIM 314400.

Submission:

Victorian Clinical Genetics Services, Murdoch Childrens Research Institute
Classification: Uncertain significance for Cardiac valvular dysplasia, X-linked. Last evaluated: 2022-02-02. Review status: criteria provided, single submitter. Criteria: ACMG Guidelines, 2015. Collection method: clinical testing. Allele origin: germline. Inheritance: X-linked inheritance. Affected: yes.
Comment: Based on the classification scheme VCGS_Germline_v1.3.4, this variant is classified as VUS-3B. Following criteria are met: 0103 - Loss of function and gain of function are known mechanisms of disease in this gene. Loss of function is the mechanism of truncating or distal truncating, hypomorphic missense or mosaic variants which cause periventricular nodular heterotopia, X-linked cardiac valvular dystrophy and gastrointestinal diseases. Whereas gain of function is the mechanism of most missense variants and small in-frame deletions that cluster in ABD and filamin repeats 3, 10 and 14/15 domains, leading to the Oto-palato-digital spectrum of disease. Lastly, X-linked cardiac valvular dystrophy is caused by mostly missense or splice variants in filamin repeats 1, 4, 5, 6 and 7 (PMID:30089473). (I) 0110 - This gene is associated with X-linked disease. (I) 0200 - Variant is predicted to result in a missense amino acid change from glycine to tryptophan. (I) 0253 - This variant is hemizygous. (I) 0301 - Variant is absent from gnomAD (both v2 and v3). (SP) 0501 - Missense variant consistently predicted to be damaging by multiple in silico tools or highly conserved with a major amino acid change. (SP) 0600 - Variant is located in the annotated Filamin repeat 20 (Uniprot). (I) 0705 - No comparable missense variants have previous evidence for pathogenicity. (I) 0807 - This variant has no previous evidence of pathogenicity. (I) 0905 - No published segregation evidence has been identified for this variant. (I) 1007 - No published functional evidence has been identified for this variant. (I) Legend: (SP) - Supporting pathogenic, (I) - Information, (SB) - Supporting benign

Literature cited by the submitters: PubMed 30089473.